The following is an entry in ClinVar:

ClinVar aggregate classification (germline): Uncertain significance. Review status: criteria provided, multiple submitters, no conflicts (2 of 4 stars). 2 submissions from 2 submitters: Uncertain significance (2). Last evaluated 2025-06-24.

Conditions:
UTP4-related disorder. Also called: UTP4-related condition.

Allele frequency attached by ClinVar (database versions not stated): gnomAD exomes below 0.00001.
gnomAD v4.1: 1 of 1,614,188 alleles (0.000062%); highest among the groups gnomAD compares: Admixed American, 0.0017%; no homozygotes.

Submissions (2):

Labcorp Genetics (formerly Invitae), Labcorp
Classification: Uncertain significance. Last evaluated: 2025-06-24. Review status: criteria provided, single submitter. Criteria: Invitae Variant Classification Sherloc (09022015). Collection method: clinical testing. Allele origin: germline.
Comment: This sequence change replaces threonine, which is neutral and polar, with alanine, which is neutral and non-polar, at codon 39 of the UTP4 protein (p.Thr39Ala). This variant is present in population databases (no rsID available, gnomAD 0.003%). This variant has not been reported in the literature in individuals affected with UTP4-related conditions. ClinVar contains an entry for this variant (Variation ID: 3045663). Invitae Evidence Modeling of protein sequence and biophysical properties (such as structural, functional, and spatial information, amino acid conservation, physicochemical variation, residue mobility, and thermodynamic stability) indicates that this missense variant is not expected to disrupt UTP4 protein function with a negative predictive value of 80%. In summary, the available evidence is currently insufficient to determine the role of this variant in disease. Therefore, it has been classified as a Variant of Uncertain Significance.

PreventionGenetics, part of Exact Sciences
Classification: Uncertain significance for UTP4-related condition. Last evaluated: 2025-03-25. Review status: criteria provided, single submitter. Criteria: ACMG Guidelines, 2015. Collection method: clinical testing. Allele origin: germline.
Comment: The UTP4 c.115A>G variant is predicted to result in the amino acid substitution p.Thr39Ala. To our knowledge, this variant has not been reported in the literature. This variant is reported in 0.0029% of alleles in individuals of Latino descent in gnomAD. At this time, the clinical significance of this variant is uncertain due to the absence of conclusive functional and genetic evidence.

NM_032830.3(UTP4):c.115A>G (p.Thr39Ala)

Gene: UTP4 (UTP4 small subunit processome component). Cytogenetic location: 16q22.1.
Variant type: single nucleotide variant.
Coding change: c.115A>G on transcript NM_032830.3 (MANE Select); coding-DNA position 115, A replaced by G.
Protein change: p.Thr39Ala; replaces threonine 39 with alanine.
Molecular consequence: missense variant. On other transcripts: 5 prime UTR variant (1).
Genome position (GRCh38, 1-based): chr16:69,133,574, A>G. VCF-style: chr16-69133574-A-G. GRCh37 (hg19) VCF-style: chr16-69167477-A-G.
Other names: c.-135A>G (NM_001318391.2); short protein forms T39A.
Identifiers: ClinVar variation 3045663 (VCV003045663.4), dbSNP rs1030203914, ClinGen allele CA283330359.
Genomic context (GRCh38, chr16:69,133,574, plus strand): 5'-ATCCGCTGTGTGGCTTACAATAACCAGTCAAACAGATTGGCTGTTTCACGAACAGATGGC[A>G]CTGTGGAAATTTATAACTTGTCAGCAAACTACTTTCAGGAGAAAGTAAGTCATTTGGGAG-3'
Protein context (NP_116219.2, residues 29-49): NRLAVSRTDG[Thr39Ala]VEIYNLSANY